The following is an entry in ClinVar:

NM_004628.5(XPC):c.2420+5G>A

Gene: XPC (XPC complex subunit, DNA damage recognition and repair factor; minus strand). Cytogenetic location: 3p25.1.
Variant type: single nucleotide variant.
Coding change: c.2420+5G>A on transcript NM_004628.5 (MANE Select); 5 bases into the intron after coding-DNA position 2420, G replaced by A.
Molecular consequence: intron variant.
Genome position (GRCh38, 1-based): chr3:14,148,557, C>T on the plus strand (G>A on the coding strand, the complement: XPC is on the minus strand). VCF-style: chr3-14148557-C-T. GRCh37 (hg19) VCF-style: chr3-14190057-C-T.
Other names: c.2402+5G>A (NM_001354729.2); c.1841+5G>A (NM_001354726.2); c.2174+5G>A (NM_001354730.2); c.2414+5G>A (NM_001354727.2).
Identifiers: ClinVar variation 4082298 (VCV004082298.1).
Genomic context (GRCh38, chr3:14,148,557, plus strand): 5'-CCCCATCTCTGGAGCCACCCCTCCCCATCCCTGTGTTTAGCCTCCATCGAAGGCCCCTCA[C>T]GCACACGGGATGGGAGTAGCCGCCATGGAAATCAAAGCCAGTGATGGCCTGGACACAGTC-3'

ClinVar aggregate classification (germline): Pathogenic (1 of 4 stars; one submission).

Conditions:
Hereditary cancer-predisposing syndrome. Also called: Tumor predisposition; Neoplastic Syndromes, Hereditary; Hereditary neoplastic syndrome; Hereditary Cancer Syndrome. Identifiers: Orphanet 140162, MedGen C0027672, MeSH D009386, MONDO:0015356.

gnomAD v4.1: 7 of 1,613,636 alleles (0.00043%); highest among the groups gnomAD compares: East Asian, 0.0022%; no homozygotes.

Submission:

Molecular Diagnostics Laboratory, Catalan Institute of Oncology
Classification: Pathogenic for Hereditary cancer-predisposing syndrome. Last evaluated: 2025-07-02. Review status: criteria provided, single submitter. Criteria: ACMG Guidelines, 2015. Collection method: clinical testing. Allele origin: germline.
Comment: PVS1 (RNA), PM2_Supporting, PM3 c.2420+5G>A is an intronic variant located close to a canonical splice site. This variant is found in 2/265769 alleles at a frequency of 0.0008% in the gnomAD v2.1.1 database, non-cancer dataset (PM2_supporting). The SpliceAI algorithm predicts that the variant impairs the splicing donor site (deltascore: 0.46), that would lead to the skipping of exon 13. An RNA assay in cultured lymphocytes from the homozygous carrier patient in the presence of NMD-inhibition was performed. It showed that both alleles carrying the variant lead to the skipping of exon 13 (r.2251_2420del), resulting in a frameshift and the generation of a premature stop codon (p.Val751Aspfs*2), leading to the loss of a substantial portion of the BHD3 domain. The variant allele produces less than 10% of full-lenght transcript (PVS1 (RNA)). The variant has been reported in the LOVD database (1x uncertain significance), but not in the ClinVar database. Based on the currently available evidence, the variant c.2420+5G>A should be considered pathogenic according to ACMG/AMP classification guidelines.